The following is an entry in ClinVar:

NM_000059.4(BRCA2):c.9352_9353del (p.Met3118fs)

Gene: BRCA2 (BRCA2 DNA repair associated; plus strand). Cytogenetic location: 13q13.1.
Variant type: Microsatellite.
Coding change: c.9352_9353del on transcript NM_000059.4 (MANE Select); coding-DNA positions 9352 to 9353, 2 bases deleted (AT; older notation c.9352_9353delAT).
Protein change: p.Met3118fs; shifts the reading frame from methionine 3118.
Molecular consequence: frameshift variant.
Genome position (GRCh38, 1-based): chr13:32,394,784-32,394,785, AT deleted; deleting any 2 consecutive bases within chr13:32,394,782-32,394,785 gives the same sequence; the c. name uses the placement nearest the transcript's 3' end. VCF-style (leftmost placement, unchanged base first): chr13-32394781-CAT-C. GRCh37 (hg19) VCF-style: chr13-32968918-CAT-C.
Other names: c.9352_9353delAT (NM_000059.3); short protein forms M3118fs.
Identifiers: ClinVar variation 186912 (VCV000186912.81), dbSNP rs786203318, ClinGen allele CA026111.

ClinVar aggregate classification (germline): Pathogenic. Review status: reviewed by expert panel (3 of 4 stars). 13 submissions from 12 submitters: Pathogenic (1). 12 of the submissions do not count toward it. Last evaluated 2016-09-08.

Conditions:
Hereditary cancer-predisposing syndrome. Also called: Tumor predisposition; Neoplastic Syndromes, Hereditary; Hereditary Cancer Syndrome; Hereditary neoplastic syndrome. Identifiers: Orphanet 140162, MedGen C0027672, MeSH D009386, MONDO:0015356.
Familial cancer of breast. Also called: hereditary breast carcinoma; BREAST CANCER, FAMILIAL; Hereditary breast cancer. Identifiers: Orphanet 227535, MedGen C0346153, MONDO:0016419, OMIM 114480. Disease mechanism: loss of function.
Breast-ovarian cancer, familial, susceptibility to, 2 (BROVCA2). Also called: BRCA2 Hereditary Breast and Ovarian Cancer. Identifiers: Orphanet 145, MedGen C2675520, MONDO:0012933, OMIM 612555. Disease mechanism: loss of function.
Hereditary breast ovarian cancer syndrome. Also called: Hereditary breast and ovarian cancer; Hereditary breast and ovarian cancer syndrome (HBOC); Breast and ovarian cancer; Hereditary breast and/or ovarian cancer syndrome; BRCA1- and BRCA2-Associated Hereditary Breast and Ovarian Cancer; Hereditary breast and ovarian cancer syndrome. Identifiers: Orphanet 145, MedGen C0677776, MeSH D061325, MONDO:0003582. Disease mechanism: loss of function.
Malignant tumor of breast. Also called: Malignant breast neoplasm; Cancer breast. Identifiers: MedGen C0006142, MONDO:0007254. Disease mechanism: loss of function.

Submissions (13):

Evidence-based Network for the Interpretation of Germline Mutant Alleles (ENIGMA)
Classification: Pathogenic for Breast-ovarian cancer, familial, susceptibility to, 2. Last evaluated: 2016-09-08. Review status: reviewed by expert panel. Criteria: ENIGMA BRCA1/2 Classification Criteria (2015). Collection method: curation. Allele origin: germline.
Comment: Variant allele predicted to encode a truncated non-functional protein.

Department of Clinical Genetics, Copenhagen University Hospital, Rigshospitalet
Classification: Pathogenic for Breast-ovarian cancer, familial, susceptibility to, 2. Last evaluated: 2024-05-27. Review status: criteria provided, single submitter. Criteria: ACMG Guidelines, 2015. Collection method: clinical testing. Allele origin: germline. Affected: yes. Not counted in ClinVar's aggregate classification.
Comment: PVS1; PM2_supporting; PM5_PTC_Strong

Clinical Genetics Laboratory, Skane University Hospital Lund
Classification: Pathogenic. Last evaluated: 2023-10-31. Review status: criteria provided, single submitter. Criteria: ACMG Guidelines, 2015. Collection method: clinical testing. Allele origin: germline. Affected: yes. Not counted in ClinVar's aggregate classification.

Labcorp Genetics (formerly Invitae), Labcorp
Classification: Pathogenic for Hereditary breast ovarian cancer syndrome. Last evaluated: 2022-07-15. Review status: criteria provided, single submitter. Criteria: Invitae Variant Classification Sherloc (09022015). Collection method: clinical testing. Allele origin: germline. Not counted in ClinVar's aggregate classification.
Comment: This sequence change creates a premature translational stop signal (p.Met3118Valfs*31) in the BRCA2 gene. It is expected to result in an absent or disrupted protein product. Loss-of-function variants in BRCA2 are known to be pathogenic (PMID: 20104584). For these reasons, this variant has been classified as Pathogenic. ClinVar contains an entry for this variant (Variation ID: 186912). This premature translational stop signal has been observed in individual(s) with breast cancer (PMID: 29335924). This variant is not present in population databases (gnomAD no frequency).

Institute of Medical Genetics and Applied Genomics, University Hospital Tübingen
Classification: Pathogenic. Last evaluated: 2021-09-15. Review status: criteria provided, single submitter. Criteria: ACMG Guidelines, 2015. Collection method: clinical testing. Allele origin: germline. Inheritance: Autosomal dominant inheritance. Affected: yes. Not counted in ClinVar's aggregate classification.

CeGaT Center for Human Genetics Tuebingen
Classification: Pathogenic. Last evaluated: 2020-11-01. Review status: criteria provided, single submitter. Criteria: CeGaT Center For Human Genetics Tuebingen Variant Classification Criteria Version 2. Collection method: clinical testing. Allele origin: germline. Affected: yes. Observed: 1 variant allele. Not counted in ClinVar's aggregate classification.

ARUP Laboratories, Molecular Genetics and Genomics, ARUP Laboratories
Classification: Pathogenic. Last evaluated: 2020-01-23. Review status: criteria provided, single submitter. Criteria: ARUP Molecular Germline Variant Investigation Process. Collection method: clinical testing. Allele origin: germline. Not counted in ClinVar's aggregate classification.
Comment: The BRCA2 c.9352_9353delAT; p.Met3118ValfsTer31 variant (rs786203318), also known as 9350_9351del, is reported in the literature in individuals with breast cancer (Jakimovska 2018, Sun 2017), and is classified as pathogenic by an expert review panel in ClinVar (Variation ID: 186912). This variant is absent from general population databases (Exome Variant Server, Genome Aggregation Database), indicating it is not a common polymorphism. This variant causes a frameshift by deleting two nucleotides, so it is predicted to result in a truncated protein or mRNA subject to nonsense-mediated decay. Based on available information, this variant is considered to be pathogenic. REFERENCES Jakimovska M et al. BRCA1 and BRCA2 germline variants in breast cancer patients from the Republic of Macedonia. Breast Cancer Res Treat. 2018 Apr;168(3):745-753. Sun J et al. Germline Mutations in Cancer Susceptibility Genes in a Large Series of Unselected Breast Cancer Patients. Clin Cancer Res. 2017 Oct 15;23(20):6113-6119.

Ambry Genetics
Classification: Pathogenic for Hereditary cancer-predisposing syndrome. Last evaluated: 2018-06-29. Review status: criteria provided, single submitter. Criteria: Ambry Variant Classification Scheme 2023. Collection method: clinical testing. Allele origin: germline. Not counted in ClinVar's aggregate classification.
Comment: The c.9352_9353delAT pathogenic mutation, located in coding exon 24 of the BRCA2 gene, results from a deletion of two nucleotides at nucleotide positions 9352 to 9353, causing a translational frameshift with a predicted alternate stop codon (p.M3118Vfs*31). This alteration has been reported in an individual with invasive breast cancer (Jakimovska M et al. Breast Cancer Res. Treat., 2018 Apr;168:745-753). In addition to the clinical data presented in the literature, this alteration is expected to result in loss of function by premature protein truncation or nonsense-mediated mRNA decay. As such, this alteration is interpreted as a disease-causing mutation.

Clinical Genetics and Genomics, Karolinska University Hospital
Classification: Pathogenic. Last evaluated: 2016-10-21. Review status: criteria provided, single submitter. Criteria: ACMG Guidelines, 2015. Collection method: clinical testing. Allele origin: germline. Affected: yes. Observed: 1 variant allele. Not counted in ClinVar's aggregate classification.

Consortium of Investigators of Modifiers of BRCA1/2 (CIMBA), c/o University of Cambridge
Classification: Pathogenic for Breast-ovarian cancer, familial, susceptibility to, 2. Last evaluated: 2015-10-02. Review status: criteria provided, single submitter. Criteria: CIMBA Mutation Classification guidelines May 2016. Collection method: clinical testing. Allele origin: germline. Not counted in ClinVar's aggregate classification.

Department of Pathology and Laboratory Medicine, Sinai Health System
Classification: Pathogenic for Familial cancer of breast; Breast-ovarian cancer, familial, susceptibility to, 2. Last evaluated: 2013-02-05. Review status: criteria provided, single submitter. Criteria: ACMG Guidelines, 2015. Collection method: clinical testing. Allele origin: germline. Affected: yes. Not counted in ClinVar's aggregate classification.

BRCAlab, Lund University
Classification: Pathogenic for Breast-ovarian cancer, familial, susceptibility to, 2. Last evaluated: 2022-08-26. Review status: no assertion criteria provided. Collection method: clinical testing. Allele origin: germline. Affected: yes. Not counted in ClinVar's aggregate classification.

Department of Pathology and Laboratory Medicine, Sinai Health System
Classification: Pathogenic for Malignant tumor of breast. Review status: no assertion criteria provided. Collection method: clinical testing. Allele origin: unknown. Affected: yes. Study: The Canadian Open Genetics Repository (COGR). Not counted in ClinVar's aggregate classification.
Comment: The p.Met3118ValfsX31 deletion was not previously identified in the literature. It was identified in the UMD database as â€šÃ„Ãºcausalâ€šÃ„Ã¹. This deletion is predicted to cause a frameshift, which alters the protein's amino acid sequence beginning at codon 3118 and leads to a premature stop codon 31 codons downstream. This alteration is then predicted to result in a truncated or absent protein and loss of function. Loss of function variants of the BRCA2 gene are an established mechanism of disease in hereditary breast and ovarian cancer. In summary, based on the above information, this variant meets our laboratoryâ€šÃ„Ã´s criteria to be classified as pathogenic.

Literature cited by the submitters: PubMed 20104584 (cited by Labcorp Genetics (formerly Invitae), Labcorp); PubMed 29335924 (cited by Labcorp Genetics (formerly Invitae), Labcorp and Ambry Genetics).